The following is an entry in ClinVar:

NM_001329556.3(REEP6):c.542G>A (p.Arg181Gln)

Gene: REEP6 (receptor accessory protein 6; plus strand). Cytogenetic location: 19p13.3.
Variant type: single nucleotide variant.
Coding change: c.542G>A on transcript NM_001329556.3 (MANE Plus Clinical); coding-DNA position 542, G replaced by A.
Protein change: p.Arg181Gln; replaces arginine 181 with glutamine.
Molecular consequence: missense variant. On other transcripts: intron variant (1).
Genome position (GRCh38, 1-based): chr19:1,496,615, G>A. VCF-style: chr19-1496615-G-A. GRCh37 (hg19) VCF-style: chr19-1496614-G-A.
Other names: c.517+162G>A (NM_138393.4); short protein forms R181Q.
Identifiers: ClinVar variation 1358753 (VCV001358753.4), dbSNP rs373940378, ClinGen allele CA9047642.

ClinVar aggregate classification (germline): Uncertain significance. Review status: criteria provided, multiple submitters, no conflicts (2 of 4 stars). 2 submissions from 2 submitters: Uncertain significance (2). Last evaluated 2022-06-03.

Allele frequency attached by ClinVar (database versions not stated): gnomAD exomes 0.00005; ExAC 0.00006.
gnomAD v4.1: 15 of 959,850 alleles (0.0016%); highest among the groups gnomAD compares: Middle Eastern, 0.021%; no homozygotes.

Submissions (2):

Labcorp Genetics (formerly Invitae), Labcorp
Classification: Uncertain significance. Last evaluated: 2022-06-03. Review status: criteria provided, single submitter. Criteria: Invitae Variant Classification Sherloc (09022015). Collection method: clinical testing. Allele origin: germline.
Comment: This sequence change replaces arginine, which is basic and polar, with glutamine, which is neutral and polar, at codon 181 of the REEP6 protein (p.Arg181Gln). This variant is present in population databases (rs373940378, gnomAD 0.02%). This variant has not been reported in the literature in individuals affected with REEP6-related conditions. ClinVar contains an entry for this variant (Variation ID: 1358753). Experimental studies and prediction algorithms are not available or were not evaluated, and the functional significance of this variant is currently unknown. In summary, the available evidence is currently insufficient to determine the role of this variant in disease. Therefore, it has been classified as a Variant of Uncertain Significance.

Blueprint Genetics
Classification: Uncertain significance. Last evaluated: 2022-03-13. Review status: criteria provided, single submitter. Criteria: ACMG Guidelines, 2015. Collection method: clinical testing. Allele origin: germline.